The following is an entry in ClinVar:

ClinVar aggregate classification (germline): Conflicting classifications of pathogenicity. Review status: criteria provided, conflicting classifications (1 of 4 stars). 3 submissions from 3 submitters: Uncertain significance (1); Likely benign (1). 1 of the submissions does not count toward it. Last evaluated 2025-06-27.

Allele frequency attached by ClinVar (database versions not stated): ExAC 0.00003; gnomAD 0.00003; gnomAD exomes 0.00004 and 0.00005; TOPMed 0.00004; ESP Exome Variant Server 0.00008.
gnomAD v4.1: 61 of 1,612,446 alleles (0.0038%); highest among the groups gnomAD compares: Middle Eastern, 0.049%; no homozygotes.

Submissions (3):

Labcorp Genetics (formerly Invitae), Labcorp
Classification: Uncertain significance. Last evaluated: 2025-06-27. Review status: criteria provided, single submitter. Criteria: Invitae Variant Classification Sherloc (09022015). Collection method: clinical testing. Allele origin: germline.
Comment: This sequence change replaces lysine, which is basic and polar, with arginine, which is basic and polar, at codon 124 of the CHD4 protein (p.Lys124Arg). This variant is present in population databases (rs371268726, gnomAD 0.008%). This variant has not been reported in the literature in individuals affected with CHD4-related conditions. ClinVar contains an entry for this variant (Variation ID: 1050672). Invitae Evidence Modeling of protein sequence and biophysical properties (such as structural, functional, and spatial information, amino acid conservation, physicochemical variation, residue mobility, and thermodynamic stability) indicates that this missense variant is not expected to disrupt CHD4 protein function with a negative predictive value of 80%. In summary, the available evidence is currently insufficient to determine the role of this variant in disease. Therefore, it has been classified as a Variant of Uncertain Significance.

CeGaT Center for Human Genetics Tuebingen
Classification: Likely benign. Last evaluated: 2022-06-01. Review status: criteria provided, single submitter. Criteria: CeGaT Center For Human Genetics Tuebingen Variant Classification Criteria Version 2. Collection method: clinical testing. Allele origin: germline. Affected: yes. Observed: 1 variant allele.
Comment: CHD4: PP2, BS1

Department of Pathology and Laboratory Medicine, Sinai Health System
Classification: Likely benign. Review status: no assertion criteria provided. Collection method: clinical testing. Allele origin: unknown. Affected: yes. Study: The Canadian Open Genetics Repository (COGR). Not counted in ClinVar's aggregate classification.
Comment: The CHD4 p.Lys117Arg variant was not identified in the literature nor was it identified in ClinVar, Cosmic or LOVD 3.0. The variant was identified in dbSNP (ID: rs371268726) and was found in control databases in 13 of 277130 chromosomes at a frequency of 0.000047 (Genome Aggregation Database Feb 27, 2017). The variant was observed in the following populations: Other in 2 of 7074 chromosomes (freq: 0.000283), European (non-Finnish) in 10 of 126526 chromosomes (freq: 0.000079) and Latino in 1 of 35352 chromosomes (freq: 0.000028), while the variant was not observed in the African, Ashkenazi Jewish, East Asian, European (Finnish) and South Asian populations. The variant occurs outside of the splicing consensus sequence and in silico or computational prediction software programs (SpliceSiteFinder, MaxEntScan, NNSPLICE, GeneSplicer) do not predict a difference in splicing. The p.Lys117 residue is not conserved in mammals but is conserved in other organisms, and computational analyses (PolyPhen-2, SIFT, AlignGVGD, BLOSUM, MutationTaster) provide inconsistent predictions regarding the impact to the protein; this information is not very predictive of pathogenicity. In summary, based on the above information the clinical significance of this variant cannot be determined with certainty at this time although we would lean towards a more benign role for this variant. This variant is classified as likely benign.

NM_001273.5(CHD4):c.371A>G (p.Lys124Arg)

Gene: CHD4 (chromodomain helicase DNA binding protein 4; minus strand). Cytogenetic location: 12p13.31.
Variant type: single nucleotide variant.
Coding change: c.371A>G on transcript NM_001273.5 (MANE Select); coding-DNA position 371, A replaced by G.
Protein change: p.Lys124Arg; replaces lysine 124 with arginine.
Molecular consequence: missense variant.
Genome position (GRCh38, 1-based): chr12:6,602,027, T>C on the plus strand (A>G on the coding strand, the complement: CHD4 is on the minus strand). VCF-style: chr12-6602027-T-C. GRCh37 (hg19) VCF-style: chr12-6711193-T-C.
Other names: c.350A>G, p.Lys117Arg (NM_001297553.2); c.371A>G, p.Lys124Arg (NM_001363606.2); short protein forms K117R, K124R.
Identifiers: ClinVar variation 1050672 (VCV001050672.36), dbSNP rs371268726, ClinGen allele CA6412538.